The following is an entry in ClinVar:

ClinVar aggregate classification (germline): Uncertain significance (1 of 4 stars; one submission).

Conditions:
TMEM165-congenital disorder of glycosylation. Also called: TMEM165-CDG; CDG IIk; Congenital disorder of glycosylation type 2k. Identifiers: Orphanet 314667, MedGen C3553571, MONDO:0013870, OMIM 614727.

Submission:

Labcorp Genetics (formerly Invitae), Labcorp
Classification: Uncertain significance for TMEM165-congenital disorder of glycosylation. Last evaluated: 2023-12-11. Review status: criteria provided, single submitter. Criteria: Invitae Variant Classification Sherloc (09022015). Collection method: clinical testing. Allele origin: germline.
Comment: This sequence change replaces proline, which is neutral and non-polar, with arginine, which is basic and polar, at codon 155 of the TMEM165 protein (p.Pro155Arg). This variant is not present in population databases (gnomAD no frequency). This variant has not been reported in the literature in individuals affected with TMEM165-related conditions. ClinVar contains an entry for this variant (Variation ID: 2131267). Advanced modeling of protein sequence and biophysical properties (such as structural, functional, and spatial information, amino acid conservation, physicochemical variation, residue mobility, and thermodynamic stability) performed at Invitae indicates that this missense variant is expected to disrupt TMEM165 protein function with a positive predictive value of 80%. In summary, the available evidence is currently insufficient to determine the role of this variant in disease. Therefore, it has been classified as a Variant of Uncertain Significance.

NM_018475.5(TMEM165):c.464C>G (p.Pro155Arg)

Gene: TMEM165 (transmembrane protein 165; plus strand). Cytogenetic location: 4q12.
Variant type: single nucleotide variant.
Coding change: c.464C>G on transcript NM_018475.5 (MANE Select); coding-DNA position 464, C replaced by G.
Protein change: p.Pro155Arg; replaces proline 155 with arginine.
Molecular consequence: missense variant. On other transcripts: non-coding transcript variant (1).
Genome position (GRCh38, 1-based): chr4:55,417,102, C>G. VCF-style: chr4-55417102-C-G. GRCh37 (hg19) VCF-style: chr4-56283269-C-G.
Other names: short protein forms P155R.
Identifiers: ClinVar variation 2131267 (VCV002131267.4), dbSNP rs2545500331, ClinGen allele CA356902008.
Genomic context (GRCh38, chr4:55,417,102, plus strand): 5'-TTAACAAACATACTGTTGTATTTTTTCCAGTTTTGTTTGGCTATGCCACCACAGTCATCC[C>G]CAGGGTCTATACATACTATGTTTCAACTGTATTATTTGCCATTTTTGGCATTAGAATGCT-3'
Protein context (NP_060945.2, residues 145-165): VLFGYATTVI[Pro155Arg]RVYTYYVSTV